The following is an entry in ClinVar:

ClinVar aggregate classification (germline): Likely benign. Review status: criteria provided, multiple submitters, no conflicts (2 of 4 stars). 3 submissions from 3 submitters: Likely benign (3). Last evaluated 2025-03-28.

Conditions:
Glutaric aciduria, type 1. Also called: Glutaryl-CoA dehydrogenase deficiency; GA I; Glutaric acidemia type I; Glutaricacidemia Type 1; Glutaricaciduria, type I; Glutaric Acidemia Type 1. Identifiers: Orphanet 25, MedGen C0268595, MONDO:0009281, OMIM 231670.

Allele frequency attached by ClinVar (database versions not stated): gnomAD 0.00007 and 0.00008; gnomAD exomes 0.00011 and 0.00013; TOPMed 0.00011; ExAC 0.00022; ESP Exome Variant Server 0.00031.

Submissions (3):

Labcorp Genetics (formerly Invitae), Labcorp
Classification: Likely benign for Glutaric aciduria, type 1. Last evaluated: 2025-03-28. Review status: criteria provided, single submitter. Criteria: Invitae Variant Classification Sherloc (09022015). Collection method: clinical testing. Allele origin: germline.

Blueprint Genetics
Classification: Likely benign. Last evaluated: 2024-03-07. Review status: criteria provided, single submitter. Criteria: ACMG Guidelines, 2015. Collection method: clinical testing. Allele origin: germline.

GeneDx
Classification: Likely benign. Last evaluated: 2018-01-12. Review status: criteria provided, single submitter. Criteria: GeneDx Variant Classification (06012015). Collection method: clinical testing. Allele origin: germline. Affected: yes.
Comment: This variant is considered likely benign or benign based on one or more of the following criteria: it is a conservative change, it occurs at a poorly conserved position in the protein, it is predicted to be benign by multiple in silico algorithms, and/or has population frequency not consistent with disease.

NM_000159.4(GCDH):c.127+8C>T

Genes: GCDH (glutaryl-CoA dehydrogenase; plus strand), LOC117125594 (CRISPRi-FlowFISH-validated KLF1 regulatory element; plus strand). Cytogenetic location: 19p13.13.
Variant type: single nucleotide variant.
Coding change: c.127+8C>T on transcript NM_000159.4 (MANE Select); 8 bases into the intron after coding-DNA position 127, C replaced by T.
Molecular consequence: intron variant. On other transcripts: non-coding transcript variant (1).
Genome position (GRCh38, 1-based): chr19:12,891,530, C>T. VCF-style: chr19-12891530-C-T. GRCh37 (hg19) VCF-style: chr19-13002344-C-T.
Other names: c.127+8C>T (NM_013976.5).
Identifiers: ClinVar variation 508008 (VCV000508008.13), dbSNP rs371007485, ClinGen allele CA9234212.
Genomic context (GRCh38, chr19:12,891,530, plus strand): 5'-CCGTTCTGTGCTTGCAGAGAAAGGCGGGAGAACACAGAGCCAACTGGCTAAGTGTAAGGA[C>T]CTCTGGTCGCACCGTGTGTCTGCTGCCCCTGTTCAGCTGTCTGTCTGCCGCAGGTGGACT-3'